The following is an entry in ClinVar:

NM_001256317.3(TMPRSS3):c.325C>T (p.Arg109Trp)

Gene: TMPRSS3 (transmembrane serine protease 3; minus strand). Cytogenetic location: 21q22.3.
Variant type: single nucleotide variant.
Coding change: c.325C>T on transcript NM_001256317.3 (MANE Select); coding-DNA position 325, C replaced by T.
Protein change: p.Arg109Trp; replaces arginine 109 with tryptophan.
Molecular consequence: missense variant. On other transcripts: 5 prime UTR variant (1).
Genome position (GRCh38, 1-based): chr21:42,388,524, G>A on the plus strand (C>T on the coding strand, the complement: TMPRSS3 is on the minus strand). VCF-style: chr21-42388524-G-A. GRCh37 (hg19) VCF-style: chr21-43808633-G-A.
Other names: c.325C>T, p.Arg109Trp (NM_024022.4, NM_032405.2); c.-57C>T (NM_032404.3); c.325C>T (NM_024022.3, NM_001256317.1); short protein forms R109W.
Identifiers: ClinVar variation 46114 (VCV000046114.46), dbSNP rs201632198, ClinGen allele CA261813.

ClinVar aggregate classification (germline): Pathogenic/Likely pathogenic. Review status: criteria provided, multiple submitters, no conflicts (2 of 4 stars). 18 submissions from 18 submitters: Pathogenic (17); Likely pathogenic (1). Last evaluated 2026-08-20.

Conditions:
Rare genetic deafness. Identifiers: Orphanet 96210, MedGen C5680250.
TMPRSS3-related disorder. Also called: TMPRSS3-related condition.
Autosomal recessive nonsyndromic hearing loss 8 (DFNB8). Also called: Deafness, autosomal recessive 10; NEUROSENSORY NONSYNDROMIC RECESSIVE DEAFNESS 8. Identifiers: Orphanet 90636, MedGen C1832827, MONDO:0010987, OMIM 601072.

Allele frequency attached by ClinVar (database versions not stated): gnomAD 0.00009 and 0.00010; ExAC 0.00010; TOPMed 0.00009; gnomAD exomes 0.00013 and 0.00010.
gnomAD v4.1: 169 of 1,614,016 alleles (0.01%); highest among the groups gnomAD compares: Non-Finnish European, 0.0074%; no homozygotes.

Submissions 1 to 10 of 18:

GeneDx
Classification: Pathogenic. Last evaluated: 2026-08-20. Review status: criteria provided, single submitter. Criteria: GeneDx Variant Classification Process June 2021. Collection method: clinical testing. Allele origin: germline.
Comment: Identified with a second variant in additional patients with sensorineural hearing loss in published literature (PMID: 28566687); Published functional studies demonstrate a damaging effect due to failure to undergo proteolytic cleavage and activate the epithelial sodium channel (PMID: 12920079, 16524950, 12393794); In silico analysis supports that this missense variant has a deleterious effect on protein structure/function; This variant is associated with the following publications: (PMID: 12393794, 28246597, 16524950, 29937438, 18928407, 29072634, 24526180, 31589614, 32860223, 34426522, 34868270, 36871673, 23958653, 35961784, 37331337, 11424922, 12920079, 28566687, 34519870, 40268851)

PreventionGenetics, part of Exact Sciences
Classification: Pathogenic for TMPRSS3-related condition. Last evaluated: 2026-08-07. Review status: criteria provided, single submitter. Criteria: ACMG Guidelines, 2015. Collection method: clinical testing. Allele origin: germline.
Comment: The TMPRSS3 c.325C>T variant is predicted to result in the amino acid substitution p.Arg109Trp. This variant was reported in the homozygous state in three individuals with hearing loss from a consanguineous family (Ben-Yosef et al. 2001. PubMed ID: 11424922) or with a second known or potentially pathogenic variant in multiple unrelated patients with hearing loss (Lechowicz et al. 2017. PubMed ID: 28566687; Table S1, Safka Brozkova et al. 2020. PubMed ID: 32860223; Moon et al. 2021. PubMed ID: 34868270). This variant is reported in 0.20% of alleles in individuals of Ashkenazi Jewish descent in gnomAD. This variant is interpreted as pathogenic.

Genetics Research Center, University of Social Welfare and Rehabilitation Sciences
Classification: Pathogenic for Autosomal recessive nonsyndromic hearing loss 8. Last evaluated: 2025-12-09. Review status: criteria provided, single submitter. Criteria: ACMG Guidelines, 2015. Collection method: research. Allele origin: germline. Affected: yes.
Comment: The variant is present at a very low frequency in the gnomAD v2.1.1 dataset (allele frequency: 0.01%) and has been reported in individual(s) affected with TMPRSS3-related hearing loss (PMID: 12393794, 28246597, 16524950, 29937438, 18928407, 29072634, 24526180, 31589614, 32860223, 34426522, 34519870, 34868270, 36871673, 23958653, 35961784, 37331337, 11424922, 28566687). The variant is predicted to be damaging by multiple in-silico tools. Studies have demonstrated that this missense variant impairs the normal function of TMPRSS3 (PMID: 12920079).

Dasa
Classification: Pathogenic. Last evaluated: 2025-06-19. Review status: criteria provided, single submitter. Criteria: DASA Assertion Criteria. Collection method: clinical testing. Allele origin: germline.
Comment: NM_001256317.3(TMPRSS3):c.325C>T (p.Arg109Trp) is a missense variant that results in the substitution of arginine with tryptophan. The affected residue or protein region has prior evidence supporting clinical relevance. Segregation evidence has been reported in affected families. This variant has been recurrently observed in affected individuals with related phenotype in a genotype context consistent with recessive disease (PMID: 24853665; PMID: 12393794; PMID: 17981648; PMID: 24526180; PMID: 11424922). Functional evidence supports a deleterious effect on the gene or gene product (PMID: 24853665; PMID: 12393794; PMID: 17981648; PMID: 24526180; PMID: 11424922). Multiple computational predictions support a deleterious effect on the gene or gene product. The variant is present at low frequency in population datasets. Based on the available data, this variant is classified as pathogenic.

Variantyx, Inc.
Classification: Likely pathogenic for Autosomal recessive nonsyndromic hearing loss 8. Last evaluated: 2025-05-06. Review status: criteria provided, single submitter. Criteria: Variantyx Assertion Criteria 2022. Collection method: clinical testing. Allele origin: germline. Inheritance: Autosomal recessive inheritance. Affected: no.
Comment: This is a nonsynonymous variant in the TMPRSS3 gene (OMIM: 605511). Pathogenic variants in this gene have been associated with autosomal recessive deafness 8/10. This variant has been identified in the homozygous or compound heterozygous state in at least 4 individuals reported in the published literature (PMID: 11424922, 28566687, 32860223, 34519870) (PM3). Functional studies have shown that this variant alters TMPRSS3 protein function (PMID: 12920079) (PS3_Moderate), and multiple computational algorithms predict a deleterious effect for this variant (REVEL score: 0.767) (PP3). Moreover, an alternate amino acid change at this position (p.Arg109Gln) has been previously reported in similarly affected individuals, which suggests that this residue is biologically important (PMID: 24853665)(PM5). This variant has a 0.0074% maximum allele frequency in non-founder control populations (PM2). Based on the current evidence, this variant is classified as likely pathogenic for autosomal recessive deafness 8/10.

Labcorp Genetics (formerly Invitae), Labcorp
Classification: Pathogenic. Last evaluated: 2025-04-10. Review status: criteria provided, single submitter. Criteria: Invitae Variant Classification Sherloc (09022015). Collection method: clinical testing. Allele origin: germline.
Comment: This sequence change replaces arginine, which is basic and polar, with tryptophan, which is neutral and slightly polar, at codon 109 of the TMPRSS3 protein (p.Arg109Trp). This variant is present in population databases (rs201632198, gnomAD 0.2%). This missense change has been observed in individual(s) with deafness (PMID: 11424922). It has also been observed to segregate with disease in related individuals. ClinVar contains an entry for this variant (Variation ID: 46114). An algorithm developed to predict the effect of missense changes on protein structure and function (PolyPhen-2) suggests that this variant is likely to be disruptive. Experimental studies have shown that this missense change affects TMPRSS3 function (PMID: 12920079). This variant disrupts the p.Arg109 amino acid residue in TMPRSS3. Other variant(s) that disrupt this residue have been determined to be pathogenic (PMID: 24853665; internal data). This suggests that this residue is clinically significant, and that variants that disrupt this residue are likely to be disease-causing. For these reasons, this variant has been classified as Pathogenic.

Women's Health and Genetics/Laboratory Corporation of America, LabCorp
Classification: Pathogenic for Autosomal recessive nonsyndromic hearing loss 8. Last evaluated: 2025-04-09. Review status: criteria provided, single submitter. Criteria: LabCorp Variant Classification Summary - May 2015. Collection method: clinical testing. Allele origin: germline.
Comment: Variant summary: TMPRSS3 c.325C>T (p.Arg109Trp) results in a non-conservative amino acid change in the encoded protein sequence. Five of five in-silico tools predict a damaging effect of the variant on protein function. Consensus agreement among computation tools predict no significant impact on normal splicing. However, these predictions have yet to be confirmed by functional studies. The variant allele was found at a frequency of 0.00013 in 251350 control chromosomes (gnomAD). This frequency is not significantly higher than estimated for a pathogenic variant in TMPRSS3 causing Deafness, Autosomal Recessive 8, allowing no conclusion about variant significance. c.325C>T has been reported in the literature in multiple individuals affected with Deafness, Autosomal Recessive 8 and this variant co-segregated with this disease (Ben-Yosef_2001). These data indicate that the variant is very likely to be associated with disease. At least one publication reports experimental evidence evaluating an impact on protein function and this variant affected the TMPRSS3 protein function (Lee_2003). The following publications have been ascertained in the context of this evaluation (PMID: 11424922, 12920079). ClinVar contains an entry for this variant (Variation ID: 46114). Based on the evidence outlined above, the variant was classified as pathogenic.

Blueprint Genetics
Classification: Pathogenic for TMPRSS3-related disorders. Last evaluated: 2024-06-27. Review status: criteria provided, single submitter. Criteria: ACMG Guidelines, 2015. Collection method: clinical testing. Allele origin: germline. Affected: yes. Observed: 5 variant alleles.

Laboratory of Prof. Karen Avraham, Tel Aviv University
Classification: Pathogenic for Autosomal recessive nonsyndromic hearing loss 8. Last evaluated: 2024-06-10. Review status: criteria provided, single submitter. Criteria: ACMG Guidelines, 2015. Collection method: research. Allele origin: germline. Affected: yes. Observed: 1 variant allele.
Comment: Pathogenic by Deafness Variation Datatbase

DFNB8; profound HL

Department of Human Genetics, Hannover Medical School
Classification: Pathogenic for Autosomal recessive nonsyndromic hearing loss 8. Last evaluated: 2023-10-11. Review status: criteria provided, single submitter. Criteria: ACMG Guidelines, 2015. Collection method: clinical testing. Allele origin: germline. Inheritance: Autosomal recessive inheritance. Affected: yes.